The following is an entry in ClinVar:

ClinVar aggregate classification (germline): Uncertain significance (1 of 4 stars; one submission).

Conditions:
SEMA3E-related disorder. Also called: SEMA3E-related condition.

Submission:

PreventionGenetics, part of Exact Sciences
Classification: Uncertain significance for SEMA3E-related condition. Last evaluated: 2023-02-21. Review status: criteria provided, single submitter. Criteria: ACMG Guidelines, 2015. Collection method: clinical testing. Allele origin: germline.
Comment: The SEMA3E c.1929delG variant is predicted to result in a frameshift and premature protein termination (p.Arg643Serfs*15). To our knowledge, this variant has not been reported in the literature or in a large population database, indicating this variant is rare. Although we suspect that this variant may be pathogenic, at this time, the clinical significance of this variant is uncertain due to the absence of conclusive functional and genetic evidence.

NM_012431.3(SEMA3E):c.1929del (p.Arg643fs)

Gene: SEMA3E (semaphorin 3E; minus strand). Cytogenetic location: 7q21.11.
Variant type: Deletion.
Coding change: c.1929del on transcript NM_012431.3 (MANE Select); coding-DNA position 1929, one base deleted (G; older notation c.1929delG).
Protein change: p.Arg643fs; shifts the reading frame from arginine 643.
Molecular consequence: frameshift variant.
Genome position (GRCh38, 1-based): chr7:83,367,985, C deleted on the plus strand (G on the coding strand, the reverse complement: SEMA3E is on the minus strand); the first of 2 consecutive C bases (chr7:83,367,985-83,367,986); deleting either gives the same sequence. VCF-style (leftmost placement, unchanged base first): chr7-83367984-AC-A. GRCh37 (hg19) VCF-style: chr7-82997300-AC-A.
Other names: c.1749del, p.Arg583fs (NM_001178129.2); short protein forms R583fs, R643fs.
Identifiers: ClinVar variation 2630598 (VCV002630598.1), dbSNP rs2484247385, ClinGen allele CA2695199549.
Genomic context (GRCh38, chr7:83,367,984, plus strand): 5'-TATGGACAAAGCTATGCTCTACTGTCTGGCAAAAATAGGTCCCAGCATCTGATTTGTGTA[AC>A]CTTAGGAAGAGTAAACCAAGGTCCATCTTAACCACTCTGTCATCTGTCTTCACCTGCAAA-3'